The following is an entry in ClinVar:

ClinVar aggregate classification (germline): Uncertain significance. Review status: criteria provided, multiple submitters, no conflicts (2 of 4 stars). 2 submissions from 2 submitters: Uncertain significance (2). Last evaluated 2025-08-28.

Conditions:
Neurodevelopmental disorder with dysmorphic facies, sleep disturbance, and brain abnormalities. Identifiers: MedGen C5436821, MONDO:0030852, OMIM 619103.

Submissions (2):

Dasa
Classification: Uncertain significance. Last evaluated: 2025-08-28. Review status: criteria provided, single submitter. Criteria: DASA Assertion Criteria. Collection method: clinical testing. Allele origin: germline.
Comment: NM_182710.3(KAT5):c.922T>A (p.Cys308Ser) is a missense variant that results in the substitution of cysteine with serine. This variant is absent from population databases. The currently available literature and clinical evidence are not sufficient to establish a definitive association between this variant and the reported condition. Therefore, this variant is classified as a variant of uncertain significance.

Laboratorio de Genetica e Diagnostico Molecular, Hospital Israelita Albert Einstein
Classification: Uncertain significance for Neurodevelopmental disorder with dysmorphic facies, sleep disturbance, and brain abnormalities. Last evaluated: 2022-08-25. Review status: criteria provided, single submitter. Criteria: ACMG Guidelines, 2015. Collection method: clinical testing. Allele origin: germline. Affected: yes.
Comment: ACMG classification criteria: PM2 moderated, PP2 supporting, BP4 supporting

NM_182710.3(KAT5):c.922T>A (p.Cys308Ser)

Gene: KAT5 (lysine acetyltransferase 5; plus strand). Cytogenetic location: 11q13.1.
Variant type: single nucleotide variant.
Coding change: c.922T>A on transcript NM_182710.3 (MANE Select); coding-DNA position 922, T replaced by A.
Protein change: p.Cys308Ser; replaces cysteine 308 with serine.
Molecular consequence: missense variant.
Genome position (GRCh38, 1-based): chr11:65,714,726, T>A. VCF-style: chr11-65714726-T-A. GRCh37 (hg19) VCF-style: chr11-65482197-T-A.
Other names: c.766T>A, p.Cys256Ser (NM_001206833.2); c.823T>A, p.Cys275Ser (NM_006388.4); c.667T>A, p.Cys223Ser (NM_182709.3); short protein forms C223S, C256S, C275S, C308S.
Identifiers: ClinVar variation 2431820 (VCV002431820.4), dbSNP rs892470790, ClinGen allele CA381284343.
Genomic context (GRCh38, chr11:65,714,726, plus strand): 5'-ACCACATTGCCTGTCCTCTACCTGTGCGAGTTCTGCCTCAAGTACGGCCGTAGTCTCAAG[T>A]GTCTTCAGCGTCATTTGGTATGAGGGGTCCAGGGAGGCTGCCTTCCCAGCACCCTCCACG-3'
Protein context (NP_874369.1, residues 298-318): FCLKYGRSLK[Cys308Ser]LQRHLTKCDL